The following is an entry in ClinVar:

NM_006389.5(HYOU1):c.322G>T (p.Ala108Ser)

Gene: HYOU1 (hypoxia up-regulated 1; minus strand). Cytogenetic location: 11q23.3.
Variant type: single nucleotide variant.
Coding change: c.322G>T on transcript NM_006389.5 (MANE Select); coding-DNA position 322, G replaced by T.
Protein change: p.Ala108Ser; replaces alanine 108 with serine.
Molecular consequence: missense variant.
Genome position (GRCh38, 1-based): chr11:119,055,282, C>A on the plus strand (G>T on the coding strand, the complement: HYOU1 is on the minus strand). VCF-style: chr11-119055282-C-A. GRCh37 (hg19) VCF-style: chr11-118925994-C-A.
Other names: c.322G>T, p.Ala108Ser (NM_001130991.3, NM_001411041.1); short protein forms A108S.
Identifiers: ClinVar variation 2816846 (VCV002816846.3), dbSNP rs1221988631, ClinGen allele CA382952921.

ClinVar aggregate classification (germline): Uncertain significance (1 of 4 stars; one submission).

gnomAD v4.1: 1 of 1,614,068 alleles (0.000062%); highest among the groups gnomAD compares: East Asian, 0.0022%; no homozygotes.

Submission:

Labcorp Genetics (formerly Invitae), Labcorp
Classification: Uncertain significance. Last evaluated: 2022-11-26. Review status: criteria provided, single submitter. Criteria: Invitae Variant Classification Sherloc (09022015). Collection method: clinical testing. Allele origin: germline.
Comment: In summary, the available evidence is currently insufficient to determine the role of this variant in disease. Therefore, it has been classified as a Variant of Uncertain Significance. Algorithms developed to predict the effect of missense changes on protein structure and function are either unavailable or do not agree on the potential impact of this missense change (SIFT: "Not Available"; PolyPhen-2: "Benign"; Align-GVGD: "Not Available"). This variant has not been reported in the literature in individuals affected with HYOU1-related conditions. This variant is present in population databases (no rsID available, gnomAD 0.006%). This sequence change replaces alanine, which is neutral and non-polar, with serine, which is neutral and polar, at codon 108 of the HYOU1 protein (p.Ala108Ser).